The following is an entry in ClinVar:

ClinVar aggregate classification (germline): Benign. Review status: criteria provided, multiple submitters, no conflicts (2 of 4 stars). 15 submissions from 14 submitters: Benign (15). Last evaluated 2026-02-04.

Conditions:
Cardiovascular phenotype. Identifiers: MedGen CN230736.
Familial thoracic aortic aneurysm and aortic dissection (TAAD). Also called: Thoracic aortic aneurysms and dissections. Identifiers: Orphanet 91387, MedGen C4707243, MONDO:0019625.
Familial aortopathy. Identifiers: MedGen CN078214.
Aortic aneurysm, familial thoracic 4 (AAT4). Also called: AORTIC ANEURYSM/AORTIC DISSECTION AND PATENT DUCTUS ARTERIOSUS. Identifiers: MedGen C1851504, MONDO:0007568, OMIM 132900.

Allele frequency attached by ClinVar (database versions not stated): gnomAD 0.07272 and 0.07252; 1000 Genomes Project 30x 0.09916; gnomAD exomes 0.04149 and 0.05295; ESP Exome Variant Server 0.07273; ExAC 0.05616; TOPMed 0.07627; 1000 Genomes Project 0.09665.
gnomAD v4.1: 72,316 of 1,613,904 alleles (4.5%); highest among the groups gnomAD compares: African/African-American, 15%; 2,504 homozygotes.

Submissions (15):

Labcorp Genetics (formerly Invitae), Labcorp
Classification: Benign for Aortic aneurysm, familial thoracic 4. Last evaluated: 2026-02-04. Review status: criteria provided, single submitter. Criteria: Invitae Variant Classification Sherloc (09022015). Collection method: clinical testing. Allele origin: germline.

ARUP Laboratories, Molecular Genetics and Genomics, ARUP Laboratories
Classification: Benign. Last evaluated: 2025-07-22. Review status: criteria provided, single submitter. Criteria: ARUP Molecular Germline Variant Investigation Process 2024. Collection method: clinical testing. Allele origin: germline.

Molecular Diagnostic Laboratory for Inherited Cardiovascular Disease, Montreal Heart Institute
Classification: Benign. Last evaluated: 2025-04-09. Review status: criteria provided, single submitter. Criteria: ACMG Guidelines, 2015. Collection method: clinical testing. Allele origin: germline. Affected: no.

Blueprint Genetics
Classification: Benign. Last evaluated: 2024-11-27. Review status: criteria provided, single submitter. Criteria: ACMG Guidelines, 2015. Collection method: clinical testing. Allele origin: germline.

All of Us Research Program, National Institutes of Health
Classification: Benign for Familial thoracic aortic aneurysm and aortic dissection. Last evaluated: 2024-10-02. Review status: criteria provided, single submitter. Criteria: ACMG Guidelines, 2015. Collection method: clinical testing. Allele origin: germline. Inheritance: Autosomal dominant inheritance. Observed: 12,837 variant alleles, 12,389 heterozygotes, 444 homozygotes, 4 hemizygotes.
Comment: This study involves interpretation of variants in research participants for the purpose of population health screening. Participant phenotype was not available at the time of variant classification. Additional details can be found in publication PMID: 35346344, PMCID: PMC8962531

Color Diagnostics, LLC DBA Color Health
Classification: Benign for Familial thoracic aortic aneurysm and aortic dissection. Last evaluated: 2018-03-07. Review status: criteria provided, single submitter. Criteria: ACMG Guidelines, 2015. Collection method: clinical testing. Allele origin: germline.

Illumina Laboratory Services, Illumina
Classification: Benign for Aortic aneurysm, familial thoracic 4. Last evaluated: 2018-01-13. Review status: criteria provided, single submitter. Criteria: ICSL Variant Classification Criteria 13 December 2019. Collection method: clinical testing. Allele origin: germline.
Comment: This variant was observed in the ICSL laboratory as part of a predisposition screen in an ostensibly healthy population. It had not been previously curated by ICSL or reported in the Human Gene Mutation Database (HGMD: prior to June 1st, 2018), and was therefore a candidate for classification through an automated scoring system. Utilizing variant allele frequency, disease prevalence and penetrance estimates, and inheritance mode, an automated score was calculated to assess if this variant is too frequent to cause the disease. Based on the score and internal cut-off values, a variant classified as benign is not then subjected to further curation. The score for this variant resulted in a classification of benign for this disease.

Ambry Genetics
Classification: Benign for Familial thoracic aortic aneurysm and aortic dissection. Last evaluated: 2015-02-19. Review status: criteria provided, single submitter. Criteria: Ambry Autosomal Dominant and X-Linked criteria (10/2015). Collection method: clinical testing. Allele origin: germline. Observed: 1 variant allele.
Comment: General population or subpopulation frequency is too high to be a pathogenic mutation based on disease/syndrome prevalence and penetrance

Ambry Genetics
Classification: Benign for Cardiovascular phenotype. Last evaluated: 2014-11-10. Review status: criteria provided, single submitter. Criteria: Ambry Autosomal Dominant and X-Linked criteria (10/2015). Collection method: clinical testing. Allele origin: germline. Observed: 1 variant allele.

Mayo Clinic Laboratories, Mayo Clinic
Classification: Benign. Last evaluated: 2014-02-05. Review status: criteria provided, single submitter. Criteria: ACMG Guidelines, 2015. Collection method: clinical testing. Allele origin: germline. Observed: 131 variant alleles.

Laboratory for Molecular Medicine, Mass General Brigham Personalized Medicine
Classification: Benign. Last evaluated: 2013-04-04. Review status: criteria provided, single submitter. Criteria: LMM Criteria. Collection method: clinical testing. Allele origin: germline. Observed: 4 variant alleles.
Comment: Ile743Ile in exon 19 of MYH11: This variant is not expected to have clinical sig nificance because it does not alter an amino acid residue and is not located wit hin the splice consensus sequence. It has been identified in 14.5% (636/4394) of African American chromosomes from a broad population by the NHLBI Exome Sequenc ing Project (dbSNP rs12931799).

GeneDx
Classification: Benign. Last evaluated: 2012-11-29. Review status: criteria provided, single submitter. Criteria: GeneDx Variant Classification (06012015). Collection method: clinical testing. Allele origin: germline. Affected: yes.
Comment: This variant is considered likely benign or benign based on one or more of the following criteria: it is a conservative change, it occurs at a poorly conserved position in the protein, it is predicted to be benign by multiple in silico algorithms, and/or has population frequency not consistent with disease.

Women's Health and Genetics/Laboratory Corporation of America, LabCorp
Classification: Benign for Aortopathy. Last evaluated: 2011-08-18. Review status: criteria provided, single submitter. Criteria: LabCorp Variant Classification Summary - May 2015. Collection method: curation. Allele origin: germline. Inheritance: autosomal unknown. Affected: yes.
ClinVar note: Converted during submission from benign to Benign.

Breakthrough Genomics
Classification: Benign. Review status: criteria provided, single submitter. Criteria: ACMG Guidelines, 2015. Collection method: not provided. Allele origin: germline. Inheritance: Autosomal recessive inheritance. Affected: yes.

PreventionGenetics, part of Exact Sciences
Classification: Benign. Review status: criteria provided, single submitter. Criteria: ACMG Guidelines, 2015. Collection method: clinical testing. Allele origin: germline.

NM_002474.3(MYH11):c.2208C>T (p.Ile736=)

Gene: MYH11 (myosin heavy chain 11; minus strand). Cytogenetic location: 16p13.11.
Variant type: single nucleotide variant.
Coding change: c.2208C>T on transcript NM_002474.3 (MANE Select); coding-DNA position 2208, C replaced by T.
Protein change: p.Ile736=; no amino-acid change (isoleucine 736 retained).
Molecular consequence: synonymous variant.
Genome position (GRCh38, 1-based): chr16:15,747,916, G>A on the plus strand (C>T on the coding strand, the complement: MYH11 is on the minus strand). VCF-style: chr16-15747916-G-A. GRCh37 (hg19) VCF-style: chr16-15841773-G-A.
Other names: p.I736I:ATC>ATT; p.Ile743=; c.2229C>T, p.Ile743= (NM_001040113.2, NM_001040114.2); c.2208C>T, p.Ile736= (NM_022844.3).
Identifiers: ClinVar variation 36616 (VCV000036616.42), dbSNP rs12931799, ClinGen allele CA214151.